The following is an entry in ClinVar:

NM_175737.4(KLB):c.1511G>A (p.Arg504Gln)

Gene: KLB (klotho beta; plus strand). Cytogenetic location: 4p14.
Variant type: single nucleotide variant.
Coding change: c.1511G>A on transcript NM_175737.4 (MANE Select); coding-DNA position 1511, G replaced by A.
Protein change: p.Arg504Gln; replaces arginine 504 with glutamine.
Molecular consequence: missense variant.
Genome position (GRCh38, 1-based): chr4:39,437,901, G>A. VCF-style: chr4-39437901-G-A. GRCh37 (hg19) VCF-style: chr4-39439521-G-A.
Other names: c.1511G>A (NM_175737.3); short protein forms R504Q.
Identifiers: ClinVar variation 2732121 (VCV002732121.4), dbSNP rs758019530, ClinGen allele CA2893842.

ClinVar aggregate classification (germline): Conflicting classifications of pathogenicity. Review status: criteria provided, conflicting classifications (1 of 4 stars). 2 submissions from 2 submitters: Uncertain significance (1); Likely benign (1). Last evaluated 2023-05-26.

Allele frequency attached by ClinVar (database versions not stated): gnomAD 0.00006; TOPMed 0.00006; ExAC 0.00010; gnomAD exomes 0.00011.

Submissions (2):

Labcorp Genetics (formerly Invitae), Labcorp
Classification: Uncertain significance. Last evaluated: 2023-05-26. Review status: criteria provided, single submitter. Criteria: Invitae Variant Classification Sherloc (09022015). Collection method: clinical testing. Allele origin: germline.
Comment: In summary, the available evidence is currently insufficient to determine the role of this variant in disease. Therefore, it has been classified as a Variant of Uncertain Significance. Advanced modeling of protein sequence and biophysical properties (such as structural, functional, and spatial information, amino acid conservation, physicochemical variation, residue mobility, and thermodynamic stability) performed at Invitae indicates that this missense variant is not expected to disrupt KLB protein function. This variant has not been reported in the literature in individuals affected with KLB-related conditions. This variant is present in population databases (rs758019530, gnomAD 0.01%). This sequence change replaces arginine, which is basic and polar, with glutamine, which is neutral and polar, at codon 504 of the KLB protein (p.Arg504Gln).

Ambry Genetics
Classification: Likely benign. Last evaluated: 2022-12-05. Review status: criteria provided, single submitter. Criteria: Ambry Variant Classification Scheme 2023. Collection method: clinical testing. Allele origin: germline.